The following is an entry in ClinVar:

ClinVar aggregate classification (germline): Uncertain significance. Review status: criteria provided, multiple submitters, no conflicts (2 of 4 stars). 2 submissions from 2 submitters: Uncertain significance (2). Last evaluated 2026-07-01.

Conditions:
Kabuki syndrome. Also called: NIIKAWA-KUROKI SYNDROME; Kabuki make-up syndrome. Identifiers: Orphanet 2322, MedGen C0796004, MONDO:0016512.

Allele frequency attached by ClinVar (database versions not stated): gnomAD 0.00001.
gnomAD v4.1: 1 of 1,613,714 alleles (0.000062%); highest among the groups gnomAD compares: Admixed American, 0.0017%; no homozygotes.

Submissions (2):

CeGaT Center for Human Genetics Tuebingen
Classification: Uncertain significance. Last evaluated: 2026-07-01. Review status: criteria provided, single submitter. Criteria: CeGaT Center For Human Genetics Tuebingen Variant Classification Criteria Version 2. Collection method: clinical testing. Allele origin: germline. Affected: yes. Observed: 1 variant allele.

Labcorp Genetics (formerly Invitae), Labcorp
Classification: Uncertain significance for Kabuki syndrome. Last evaluated: 2023-03-08. Review status: criteria provided, single submitter. Criteria: Invitae Variant Classification Sherloc (09022015). Collection method: clinical testing. Allele origin: germline.
Comment: In summary, the available evidence is currently insufficient to determine the role of this variant in disease. Therefore, it has been classified as a Variant of Uncertain Significance. Advanced modeling of protein sequence and biophysical properties (such as structural, functional, and spatial information, amino acid conservation, physicochemical variation, residue mobility, and thermodynamic stability) performed at Invitae indicates that this missense variant is not expected to disrupt KMT2D protein function. This variant has not been reported in the literature in individuals affected with KMT2D-related conditions. This variant is not present in population databases (gnomAD no frequency). This sequence change replaces valine, which is neutral and non-polar, with leucine, which is neutral and non-polar, at codon 2287 of the KMT2D protein (p.Val2287Leu).

NM_003482.4(KMT2D):c.6859G>T (p.Val2287Leu)

Gene: KMT2D (lysine methyltransferase 2D; minus strand). Cytogenetic location: 12q13.12.
Variant type: single nucleotide variant.
Coding change: c.6859G>T on transcript NM_003482.4 (MANE Select); coding-DNA position 6859, G replaced by T.
Protein change: p.Val2287Leu; replaces valine 2287 with leucine.
Molecular consequence: missense variant.
Genome position (GRCh38, 1-based): chr12:49,040,911, C>A on the plus strand (G>T on the coding strand, the complement: KMT2D is on the minus strand). VCF-style: chr12-49040911-C-A. GRCh37 (hg19) VCF-style: chr12-49434694-C-A.
Other names: short protein forms V2287L.
Identifiers: ClinVar variation 2844088 (VCV002844088.4), dbSNP rs1943483987, ClinGen allele CA384749430.